The following is an entry in ClinVar:

ClinVar aggregate classification (germline): Likely benign. Review status: criteria provided, single submitter (1 of 4 stars). 2 submissions from 2 submitters: Likely benign (1). 1 of the submissions does not count toward it. Last evaluated 2025-01-03.

Conditions:
HEMOGLOBIN OKAYAMA.

gnomAD v4.1: 2 of 1,607,340 alleles (0.00012%); highest among the groups gnomAD compares: Non-Finnish European, 0.00017%; no homozygotes.

Submissions (2):

ARUP Laboratories, Molecular Genetics and Genomics, ARUP Laboratories
Classification: Likely benign. Last evaluated: 2025-01-03. Review status: criteria provided, single submitter. Criteria: ARUP Molecular Germline Variant Investigation Process 2024. Collection method: clinical testing. Allele origin: germline.
Comment: The Hb Okayama variant (HBB: c.9T>A; p.His3Gln, also known as His2Gln when numbered from the mature protein, rs713040, HbVar ID: 220) is reported in the heterozygous state in individuals with with no hematological abnormalities (Harano 1983, van Zwieten 2014, see link to HbVar and references therein). This variant is also reported in ClinVar (Variation ID: 15296), but is only observed on one allele in the Genome Aggregation Database, indicating it is not a common polymorphism. Functional analyses of the variant protein show normal stability and slightly increased oxygen affinity (see link to HbVar). Based on available information, this variant is considered to be likely benign. References: Link to HbVar database: Harano T et al. Hemoglobin Okayama (beta 2 (NA 2) His replaced by Gln): a new 'silent' hemoglobin variant with substituted amino acid residue at the 2,3-diphosphoglycerate binding site. FEBS Lett. 1983 May 30;156(1):20-2. PMID: 6852251. van Zwieten R et al. Hemoglobin analyses in the Netherlands reveal more than 80 different variants including six novel ones. Hemoglobin. 2014;38(1):1-7. PMID: 24200101.

OMIM
Classification: other for HEMOGLOBIN OKAYAMA. Last evaluated: 2017-12-12. Review status: no assertion criteria provided. Collection method: literature only. Allele origin: germline. Not counted in ClinVar's aggregate classification.

Literature cited by the submitters: PubMed 6852251 (cited by OMIM).

NM_000518.5(HBB):c.9T>A (p.His3Gln)

Genes: HBB (hemoglobin subunit beta; minus strand), LOC106099062 (HBB recombination region; plus strand), LOC107133510 (origin of replication at HBB; plus strand). Cytogenetic location: 11p15.4.
Variant type: single nucleotide variant.
Coding change: c.9T>A on transcript NM_000518.5 (MANE Select); coding-DNA position 9, T replaced by A.
Protein change: p.His3Gln; replaces histidine 3 with glutamine.
Molecular consequence: missense variant.
Genome position (GRCh38, 1-based): chr11:5,227,013, A>T on the plus strand (T>A on the coding strand, the complement: HBB is on the minus strand). VCF-style: chr11-5227013-A-T. GRCh37 (hg19) VCF-style: chr11-5248243-A-T.
Other names: H2Q; short protein forms H3Q.
Identifiers: ClinVar variation 15296 (VCV000015296.5), dbSNP rs713040, ClinGen allele CA125078.
Genomic context (GRCh38, chr11:5,227,013, plus strand): 5'-TTCATCCACGTTCACCTTGCCCCACAGGGCAGTAACGGCAGACTTCTCCTCAGGAGTCAG[A>T]TGCACCATGGTGTCTGTTTGAGGTTGCTAGTGAACACAGTTGTGTCAGAAGCAAATGTAA-3'
Protein context (NP_000509.1, residues 1-13): MV[His3Gln]LTPEEKSAVT